The following is an entry in ClinVar:

NM_003982.4(SLC7A7):c.537G>A (p.Trp179Ter)

Gene: SLC7A7 (solute carrier family 7 member 7; minus strand). Cytogenetic location: 14q11.2.
Variant type: single nucleotide variant.
Coding change: c.537G>A on transcript NM_003982.4 (MANE Select); coding-DNA position 537, G replaced by A.
Protein change: p.Trp179Ter; replaces tryptophan 179 with a stop codon.
Molecular consequence: nonsense.
Genome position (GRCh38, 1-based): chr14:22,780,014, C>T on the plus strand (G>A on the coding strand, the complement: SLC7A7 is on the minus strand). VCF-style: chr14-22780014-C-T. GRCh37 (hg19) VCF-style: chr14-23249223-C-T.
Other names: c.537G>A, p.Trp179Ter (NM_001126105.3, NM_001126106.4); short protein forms W179*.
Identifiers: ClinVar variation 3014738 (VCV003014738.3), dbSNP rs915583102, ClinGen allele CA257728853.
Genomic context (GRCh38, chr14:22,780,014, plus strand): 5'-GATGACCGCGATCAGTGCCAATACTTTAGCATAGGTGAAAATATCTTGTACCAGGGTTCC[C>T]CATTTGACATAGGCACAGTTAATGAAGGTTAAGAGACCTGAAAGAAAAATAATACTGATT-3'

ClinVar aggregate classification (germline): Pathogenic (1 of 4 stars; one submission).

Conditions:
Lysinuric protein intolerance (LPI). Identifiers: Orphanet 470, MedGen C0268647, MONDO:0009109, OMIM 222700.

Submission:

Labcorp Genetics (formerly Invitae), Labcorp
Classification: Pathogenic for Lysinuric protein intolerance. Last evaluated: 2023-11-11. Review status: criteria provided, single submitter. Criteria: Invitae Variant Classification Sherloc (09022015). Collection method: clinical testing. Allele origin: germline.
Comment: This sequence change creates a premature translational stop signal (p.Trp179*) in the SLC7A7 gene. It is expected to result in an absent or disrupted protein product. Loss-of-function variants in SLC7A7 are known to be pathogenic (PMID: 10631139, 17764084). This variant is not present in population databases (gnomAD no frequency). This variant has not been reported in the literature in individuals affected with SLC7A7-related conditions. For these reasons, this variant has been classified as Pathogenic.

Literature cited by the submitters: PubMed 10631139; PubMed 17764084.